The following is an entry in ClinVar:

NM_022114.4(PRDM16):c.876C>T (p.Asn292=)

Gene: PRDM16 (PR/SET domain 16; plus strand). Cytogenetic location: 1p36.32.
Variant type: single nucleotide variant.
Coding change: c.876C>T on transcript NM_022114.4 (MANE Select); coding-DNA position 876, C replaced by T.
Protein change: p.Asn292=; no amino-acid change (asparagine 292 retained).
Molecular consequence: synonymous variant.
Genome position (GRCh38, 1-based): chr1:3,402,990, C>T. VCF-style: chr1-3402990-C-T. GRCh37 (hg19) VCF-style: chr1-3319554-C-T.
Other names: c.876C>T, p.Asn292= (NM_199454.3).
Identifiers: ClinVar variation 507065 (VCV000507065.5), dbSNP rs1553174363, ClinGen allele CA415777719.

ClinVar aggregate classification (germline): Likely benign. Review status: criteria provided, multiple submitters, no conflicts (2 of 4 stars). 2 submissions from 2 submitters: Likely benign (2). Last evaluated 2022-05-04.

Conditions:
Left ventricular noncompaction 8 (LVNC8). Identifiers: Orphanet 154, Orphanet 54260, MedGen C3809288, MONDO:0014152, OMIM 615373.

Allele frequency attached by ClinVar (database versions not stated): TOPMed 0.00001.

Submissions (2):

Labcorp Genetics (formerly Invitae), Labcorp
Classification: Likely benign for Left ventricular noncompaction 8. Last evaluated: 2022-05-04. Review status: criteria provided, single submitter. Criteria: Invitae Variant Classification Sherloc (09022015). Collection method: clinical testing. Allele origin: germline.

GeneDx
Classification: Likely benign. Last evaluated: 2017-01-31. Review status: criteria provided, single submitter. Criteria: GeneDx Variant Classification (06012015). Collection method: clinical testing. Allele origin: germline. Affected: yes.
Comment: This variant is considered likely benign or benign based on one or more of the following criteria: it is a conservative change, it occurs at a poorly conserved position in the protein, it is predicted to be benign by multiple in silico algorithms, and/or has population frequency not consistent with disease.